The following is an entry in ClinVar:

ClinVar aggregate classification (germline): Uncertain significance (1 of 4 stars; one submission).

gnomAD v4.1: 4 of 1,613,970 alleles (0.00025%); highest among the groups gnomAD compares: African/African-American, 0.0053%; no homozygotes.

Submission:

Ambry Genetics
Classification: Uncertain significance. Last evaluated: 2023-04-18. Review status: criteria provided, single submitter. Criteria: Ambry Variant Classification Scheme 2023. Collection method: clinical testing. Allele origin: germline.
Comment: The p.C1072F variant (also known as c.3215G>T), located in coding exon 28 of the IKBKAP gene, results from a G to T substitution at nucleotide position 3215. The cysteine at codon 1072 is replaced by phenylalanine, an amino acid with highly dissimilar properties. This amino acid position is conserved. In addition, this alteration is predicted to be tolerated by in silico analysis. Since supporting evidence is limited at this time, the clinical significance of this alteration remains unclear.

NM_003640.5(ELP1):c.3215G>T (p.Cys1072Phe)

Gene: ELP1 (elongator acetyltransferase complex subunit 1; minus strand). Cytogenetic location: 9q31.3.
Variant type: single nucleotide variant.
Coding change: c.3215G>T on transcript NM_003640.5 (MANE Select); coding-DNA position 3215, G replaced by T.
Protein change: p.Cys1072Phe; replaces cysteine 1072 with phenylalanine.
Molecular consequence: missense variant.
Genome position (GRCh38, 1-based): chr9:108,889,339, C>A on the plus strand (G>T on the coding strand, the complement: ELP1 is on the minus strand). VCF-style: chr9-108889339-C-A. GRCh37 (hg19) VCF-style: chr9-111651619-C-A.
Other names: c.2873G>T, p.Cys958Phe (NM_001318360.2); c.2168G>T, p.Cys723Phe (NM_001330749.2); short protein forms C1072F, C723F, C958F.
Identifiers: ClinVar variation 2563024 (VCV002563024.2), dbSNP rs753041406, ClinGen allele CA374414827.